The following is an entry in ClinVar:

ClinVar aggregate classification (germline): Uncertain significance (1 of 4 stars; one submission).

Conditions:
Sitosterolemia (STSL). Also called: PHYTOSTEROLEMIA. Identifiers: Orphanet 2882, MedGen C0342907, MONDO:0008863.

gnomAD v4.1: 12 of 1,613,726 alleles (0.00074%); highest among the groups gnomAD compares: Non-Finnish European, 0.00093%; no homozygotes.

Submission:

Labcorp Genetics (formerly Invitae), Labcorp
Classification: Uncertain significance for Sitosterolemia. Last evaluated: 2025-06-22. Review status: criteria provided, single submitter. Criteria: Invitae Variant Classification Sherloc (09022015). Collection method: clinical testing. Allele origin: germline.
Comment: This sequence change affects codon 86 of the ABCG5 mRNA. It is a 'silent' change, meaning that it does not change the encoded amino acid sequence of the ABCG5 protein. This variant is present in population databases (rs750420979, gnomAD 0.002%). This variant has not been reported in the literature in individuals affected with ABCG5-related conditions. Algorithms developed to predict the effect of sequence changes on RNA splicing suggest that this variant may disrupt the consensus splice site. In summary, the available evidence is currently insufficient to determine the role of this variant in disease. Therefore, it has been classified as a Variant of Uncertain Significance.

NM_022436.3(ABCG5):c.258A>T (p.Gly86=)

Gene: ABCG5 (ATP binding cassette subfamily G member 5; minus strand). Cytogenetic location: 2p21.
Variant type: single nucleotide variant.
Coding change: c.258A>T on transcript NM_022436.3 (MANE Select); coding-DNA position 258, A replaced by T.
Protein change: p.Gly86=; no amino-acid change (glycine 86 retained).
Molecular consequence: synonymous variant.
Genome position (GRCh38, 1-based): chr2:43,837,841, T>A on the plus strand (A>T on the coding strand, the complement: ABCG5 is on the minus strand). VCF-style: chr2-43837841-T-A. GRCh37 (hg19) VCF-style: chr2-44064980-T-A.
Identifiers: ClinVar variation 4707876 (VCV004707876.1).